The following is an entry in ClinVar:

ClinVar aggregate classification (germline): Pathogenic/Likely pathogenic. Review status: criteria provided, multiple submitters, no conflicts (2 of 4 stars). 4 submissions from 4 submitters: Pathogenic (3); Likely pathogenic (1). Last evaluated 2026-06-10.

Conditions:
B3GALNT2-related disorder. Also called: B3GALNT2-related condition.
Muscular dystrophy-dystroglycanopathy (congenital with brain and eye anomalies), type a, 11 (MDDGA11). Also called: Congenital muscular dystrophy-dystroglycanopathy with brain and eye anomalies, type A11; WALKER-WARBURG SYNDROME OR MUSCLE-EYE-BRAIN DISEASE, B3GALNT2-RELATED; Muscular dystrophy-dystroglycanopathy (congenital with brain and eye anomalies, type A, 11. Identifiers: Orphanet 588, Orphanet 899, MedGen C3554638, MONDO:0014071, OMIM 615181.

Allele frequency attached by ClinVar (database versions not stated): gnomAD exomes 0.00002 and 0.00004; TOPMed 0.00002; ExAC 0.00003; gnomAD 0.00003 and 0.00004.
gnomAD v4.1: 55 of 1,612,020 alleles (0.0034%); highest among the groups gnomAD compares: Non-Finnish European, 0.0045%; no homozygotes.

Submissions (4):

PreventionGenetics, part of Exact Sciences
Classification: Pathogenic for B3GALNT2-related condition. Last evaluated: 2026-06-10. Review status: criteria provided, single submitter. Criteria: ACMG Guidelines, 2015. Collection method: clinical testing. Allele origin: germline.
Comment: The B3GALNT2 c.979G>A variant is predicted to result in the amino acid substitution p.Asp327Asn. This variant has been reported in the homozygous and compound heterozygous states in multiple unrelated individuals with a diagnosis or clinical features of B3GALNT2-related α-dystroglycanopathy (α-DGP) and is the most frequently reported recurrent variant in α-DGP (Hedberg et al. 2014. PubMed ID: 24084573; Chen et al. 2020. PubMed ID: 33290285; Table S2, Ma et al. 2024. PubMed ID: 38649797; Fu et al. 2025. PubMed ID: 40665687). In addition, segregation with congenital muscular dystrophy-dystroglycanopathy (MDDG) has been demonstrated in a large family (Maroofian et al. 2017. PubMed ID: 29273094). This variant is reported in 0.0044% of alleles in individuals of European (non-Finnish) descent in gnomAD and is interpreted as likely pathogenic/pathogenic in ClinVar (Variation ID: 242531). Taken together, this variant is interpreted as pathogenic.

Labcorp Genetics (formerly Invitae), Labcorp
Classification: Pathogenic for Muscular dystrophy-dystroglycanopathy (congenital with brain and eye anomalies), type a, 11. Last evaluated: 2025-11-01. Review status: criteria provided, single submitter. Criteria: Invitae Variant Classification Sherloc (09022015). Collection method: clinical testing. Allele origin: germline.
Comment: This sequence change replaces aspartic acid, which is acidic and polar, with asparagine, which is neutral and polar, at codon 327 of the B3GALNT2 protein (p.Asp327Asn). This variant is present in population databases (rs753340395, gnomAD 0.004%). This missense change has been observed in individual(s) with B3GALNT2-related conditions (PMID: 24084573, 25326637, 29273094, 33290285, 38649797; internal data). In at least one individual the data is consistent with being in trans (on the opposite chromosome) from a pathogenic variant. ClinVar contains an entry for this variant (Variation ID: 242531). Invitae Evidence Modeling of protein sequence and biophysical properties (such as structural, functional, and spatial information, amino acid conservation, physicochemical variation, residue mobility, and thermodynamic stability) has been performed for this missense variant. However, the output from this modeling did not meet the statistical confidence thresholds required to predict the impact of this variant on B3GALNT2 protein function. For these reasons, this variant has been classified as Pathogenic.

GeneDx
Classification: Pathogenic. Last evaluated: 2025-09-12. Review status: criteria provided, single submitter. Criteria: GeneDx Variant Classification Process June 2021. Collection method: clinical testing. Allele origin: germline.
Comment: Not observed at significant frequency in large population cohorts (gnomAD); In silico analysis supports that this missense variant has a deleterious effect on protein structure/function; This variant is associated with the following publications: (PMID: 29273094, 25326637, 24084573, 29302074, 31209396, 33290285, 40665687, 38649797)

Revvity Omics, Revvity
Classification: Likely pathogenic for Muscular dystrophy-dystroglycanopathy (congenital with brain and eye anomalies), type a, 11. Last evaluated: 2025-06-06. Review status: criteria provided, single submitter. Criteria: ACMG Guidelines, 2015. Collection method: clinical testing. Allele origin: germline.

Literature cited by the submitters: PubMed 24084573 (cited by Labcorp Genetics (formerly Invitae), Labcorp); PubMed 25326637 (cited by Labcorp Genetics (formerly Invitae), Labcorp); PubMed 29273094 (cited by Labcorp Genetics (formerly Invitae), Labcorp); PubMed 33290285 (cited by Labcorp Genetics (formerly Invitae), Labcorp); PubMed 38649797 (cited by Labcorp Genetics (formerly Invitae), Labcorp).

NM_152490.5(B3GALNT2):c.979G>A (p.Asp327Asn)

Gene: B3GALNT2 (beta-1,3-N-acetylgalactosaminyltransferase 2; minus strand). Cytogenetic location: 1q42.3.
Variant type: single nucleotide variant.
Coding change: c.979G>A on transcript NM_152490.5 (MANE Select); coding-DNA position 979, G replaced by A.
Protein change: p.Asp327Asn; replaces aspartic acid 327 with asparagine.
Molecular consequence: missense variant.
Genome position (GRCh38, 1-based): chr1:235,458,649, C>T on the plus strand (G>A on the coding strand, the complement: B3GALNT2 is on the minus strand). VCF-style: chr1-235458649-C-T. GRCh37 (hg19) VCF-style: chr1-235621957-C-T.
Other names: c.979G>A (NM_152490.4); short protein forms D327N.
Identifiers: ClinVar variation 242531 (VCV000242531.12), dbSNP rs753340395, ClinGen allele CA351260.